The following is an entry in ClinVar:

NM_001198950.3(MYO16):c.4769C>G (p.Ser1590Cys)

Gene: MYO16 (myosin XVI; plus strand). Cytogenetic location: 13q33.3.
Variant type: single nucleotide variant.
Coding change: c.4769C>G on transcript NM_001198950.3 (MANE Select); coding-DNA position 4769, C replaced by G.
Protein change: p.Ser1590Cys; replaces serine 1590 with cysteine.
Molecular consequence: missense variant.
Genome position (GRCh38, 1-based): chr13:109,140,981, C>G. VCF-style: chr13-109140981-C-G. GRCh37 (hg19) VCF-style: chr13-109793329-C-G.
Other names: c.4703C>G, p.Ser1568Cys (NM_015011.3); c.4769C>G (NM_001198950.1); short protein forms S1568C, S1590C.
Identifiers: ClinVar variation 2643932 (VCV002643932.26), dbSNP rs200595201, ClinGen allele CA7045768.
Genomic context (GRCh38, chr13:109,140,981, plus strand): 5'-GCGACGGCGACAGGCCCGCGTCCCCCGGCCTGGCGCTGTTCAACGGGTCCGGCCGAGCCT[C>G]CCCGCCGTCCACGCCGCCCCCGCCCCCGCCCCCGCCCGGGCCGCCCCCCGCGCCCTACAG-3'
Protein context (NP_001185879.1, residues 1580-1600): LALFNGSGRA[Ser1590Cys]PPSTPPPPPP

ClinVar aggregate classification (germline): Conflicting classifications of pathogenicity. Review status: criteria provided, conflicting classifications (1 of 4 stars). 3 submissions from 3 submitters: Uncertain significance (1); Likely benign (1). 1 of the submissions does not count toward it. Last evaluated 2025-08-27.

Conditions:
MYO16-related disorder. Also called: MYO16-related condition.

Allele frequency attached by ClinVar (database versions not stated): ESP Exome Variant Server 0.00144; 1000 Genomes Project 30x 0.00250; 1000 Genomes Project 0.00260; ExAC 0.00337; gnomAD 0.00432; TOPMed 0.00474.
gnomAD v4.1: 7,807 of 1,397,748 alleles (0.56%); highest among the groups gnomAD compares: Non-Finnish European, 0.66%; 24 homozygotes.

Submissions (3):

Ambry Genetics
Classification: Uncertain significance. Last evaluated: 2025-08-27. Review status: criteria provided, single submitter. Criteria: Ambry Variant Classification Scheme 2023. Collection method: clinical testing. Allele origin: germline.

CeGaT Center for Human Genetics Tuebingen
Classification: Likely benign. Last evaluated: 2024-11-01. Review status: criteria provided, single submitter. Criteria: CeGaT Center For Human Genetics Tuebingen Variant Classification Criteria Version 2. Collection method: clinical testing. Allele origin: germline. Affected: yes. Observed: 2 variant alleles.
Comment: MYO16: BS2

PreventionGenetics, part of Exact Sciences
Classification: Likely benign for MYO16-related condition. Last evaluated: 2019-04-30. Review status: no assertion criteria provided. Collection method: clinical testing. Allele origin: germline. Not counted in ClinVar's aggregate classification.
Comment: This variant is classified as likely benign based on ACMG/AMP sequence variant interpretation guidelines (Richards et al. 2015 PMID: 25741868, with internal and published modifications).